The following is an entry in ClinVar:

ClinVar aggregate classification (germline): Uncertain significance (1 of 4 stars; one submission).

Allele frequency attached by ClinVar (database versions not stated): gnomAD 0.00001; ExAC 0.00002; gnomAD exomes 0.00002.
gnomAD v4.1: 12 of 1,612,686 alleles (0.00074%); highest among the groups gnomAD compares: Admixed American, 0.005%; no homozygotes.

Submission:

Labcorp Genetics (formerly Invitae), Labcorp
Classification: Uncertain significance. Last evaluated: 2022-02-24. Review status: criteria provided, single submitter. Criteria: Invitae Variant Classification Sherloc (09022015). Collection method: clinical testing. Allele origin: germline.
Comment: This sequence change replaces glutamic acid, which is acidic and polar, with lysine, which is basic and polar, at codon 795 of the BMP1 protein (p.Glu795Lys). This variant is present in population databases (rs773067475, gnomAD 0.003%). This variant has not been reported in the literature in individuals affected with BMP1-related conditions. Algorithms developed to predict the effect of missense changes on protein structure and function (SIFT, PolyPhen-2, Align-GVGD) all suggest that this variant is likely to be disruptive. In summary, the available evidence is currently insufficient to determine the role of this variant in disease. Therefore, it has been classified as a Variant of Uncertain Significance.

NM_006129.5(BMP1):c.2383G>A (p.Glu795Lys)

Gene: BMP1 (bone morphogenetic protein 1; plus strand). Cytogenetic location: 8p21.3.
Variant type: single nucleotide variant.
Coding change: c.2383G>A on transcript NM_006129.5 (MANE Select); coding-DNA position 2383, G replaced by A.
Protein change: p.Glu795Lys; replaces glutamic acid 795 with lysine.
Molecular consequence: missense variant. On other transcripts: non-coding transcript variant (1).
Genome position (GRCh38, 1-based): chr8:22,207,324, G>A. VCF-style: chr8-22207324-G-A. GRCh37 (hg19) VCF-style: chr8-22064837-G-A.
Other names: short protein forms E795K.
Identifiers: ClinVar variation 1495279 (VCV001495279.5), dbSNP rs773067475, ClinGen allele CA4665232.